The following is an entry in ClinVar:

ClinVar aggregate classification (germline): Uncertain significance (1 of 4 stars; one submission).

Conditions:
Inborn genetic diseases. Identifiers: MedGen C0950123, MeSH D030342.

Submission:

Ambry Genetics
Classification: Uncertain significance for Inborn genetic diseases. Last evaluated: 2024-11-22. Review status: criteria provided, single submitter. Criteria: Ambry Variant Classification Scheme 2023. Collection method: clinical testing. Allele origin: germline.
Comment: The p.S791G variant (also known as c.2371A>G), located in coding exon 25 of the RTEL1 gene, results from an A to G substitution at nucleotide position 2371. The serine at codon 791 is replaced by glycine, an amino acid with similar properties. This amino acid position is conserved. In addition, this alteration is predicted to be tolerated by in silico analysis. Based on the available evidence, the clinical significance of this variant remains unclear.

NM_001283009.2(RTEL1):c.2371A>G (p.Ser791Gly)

Genes: RTEL1 (regulator of telomere elongation helicase 1; plus strand), RTEL1-TNFRSF6B (RTEL1-TNFRSF6B readthrough (NMD candidate); plus strand). Cytogenetic location: 20q13.33.
Variant type: single nucleotide variant.
Coding change: c.2371A>G on transcript NM_001283009.2 (MANE Select); coding-DNA position 2371, A replaced by G.
Protein change: p.Ser791Gly; replaces serine 791 with glycine.
Molecular consequence: missense variant. On other transcripts: non-coding transcript variant (1).
Genome position (GRCh38, 1-based): chr20:63,690,399, A>G. VCF-style: chr20-63690399-A-G. GRCh37 (hg19) VCF-style: chr20-62321752-A-G.
Other names: c.1702A>G, p.Ser568Gly (NM_001283010.1); c.2371A>G, p.Ser791Gly (NM_016434.4); c.2443A>G, p.Ser815Gly (NM_032957.5); short protein forms S568G, S791G, S815G.
Identifiers: ClinVar variation 3435954 (VCV003435954.1).
Genomic context (GRCh38, chr20:63,690,399, plus strand): 5'-GAAGATGCTGTCAGCGAGGCCAAGTCGCCTGGCCCCTTCTTCTCCACCAGGAAAGCTAAG[A>G]GTCTGGACCTGCATGTCCCCAGCCTGAAGCAGAGGTCCTCAGGTGCGGACGGGCAGCGCT-3'
Protein context (NP_001269938.1, residues 781-801): GPFFSTRKAK[Ser791Gly]LDLHVPSLKQ